The following is an entry in ClinVar:

ClinVar aggregate classification (germline): Likely benign (1 of 4 stars; one submission).

Submission:

CeGaT Center for Human Genetics Tuebingen
Classification: Likely benign. Last evaluated: 2025-06-01. Review status: criteria provided, single submitter. Criteria: CeGaT Center For Human Genetics Tuebingen Variant Classification Criteria Version 2. Collection method: clinical testing. Allele origin: germline. Affected: yes. Observed: 2 variant alleles.
Comment: KCNN2: PM4:Supporting, BS1

NM_021614.4(KCNN2):c.798CGC[6] (p.Ala270_Val271insAlaAla)

Gene: KCNN2 (potassium calcium-activated channel subfamily N member 2; plus strand). Cytogenetic location: 5q22.3.
Variant type: Microsatellite.
Coding change: c.798CGC[6] on transcript NM_021614.4 (MANE Select); six copies in a row of the 3-base unit CGC starting at c.798; the reference has four copies in a row; two copies, 6 bases duplicated.
Protein change: p.Ala270_Val271insAlaAla.
Molecular consequence: non-coding transcript variant (on NR_174097.1).
Genome position (GRCh38, 1-based): chr5:114,362,943-114,362,948, CGCCGC duplicated; duplicating any 6 consecutive bases within chr5:114,362,935-114,362,948 gives the same sequence; the position shown is the placement nearest the transcript's 3' end. VCF-style (leftmost placement, unchanged base first): chr5-114362934-T-TGCCGCC. GRCh37 (hg19) VCF-style: chr5-113698631-T-TGCCGCC.
Other names: c.996CGC[6], p.Ala336_Val337insAlaAla (NM_001372233.1).
Identifiers: ClinVar variation 3770402 (VCV003770402.13).
Genomic context (GRCh38, chr5:114,362,934, plus strand): 5'-CCTGCAGCCCCCCGCGTCTGTCGGAGGAGGTGGCGGCGCGTCCTCCCCGTCTGCAGCCGC[T>TGCCGCC]GCCGCCGCCGCCGCTGTTTCGTCCTCAGCCCCCGAGATCGTGGTGTCTAAGCCCGAGCAC-3'